The following is an entry in ClinVar:

ClinVar aggregate classification (germline): Likely pathogenic (1 of 4 stars; one submission).

Conditions:
Microcephaly-intellectual disability-sensorineural hearing loss-epilepsy-abnormal muscle tone syndrome (NEDHSB). Also called: NEURODEVELOPMENTAL DISORDER WITH HEARING LOSS, SEIZURES, AND BRAIN ABNORMALITIES. Identifiers: Orphanet 457351, MedGen C4225276, MONDO:0014698, OMIM 616577.

Allele frequency attached by ClinVar (database versions not stated): gnomAD exomes below 0.00001; ExAC 0.00002.

Submission:

Labcorp Genetics (formerly Invitae), Labcorp
Classification: Likely pathogenic for Microcephaly-intellectual disability-sensorineural hearing loss-epilepsy-abnormal muscle tone syndrome. Last evaluated: 2022-03-08. Review status: criteria provided, single submitter. Criteria: Invitae Variant Classification Sherloc (09022015). Collection method: clinical testing. Allele origin: germline.
Comment: In summary, the currently available evidence indicates that the variant is pathogenic, but additional data are needed to prove that conclusively. Therefore, this variant has been classified as Likely Pathogenic. Algorithms developed to predict the effect of sequence changes on RNA splicing suggest that this variant may disrupt the consensus splice site. ClinVar contains an entry for this variant (Variation ID: 1067829). This variant has not been reported in the literature in individuals affected with SPATA5-related conditions. This variant is present in population databases (rs78047425, gnomAD 0.001%). This sequence change affects an acceptor splice site in intron 8 of the SPATA5 gene. It is expected to disrupt RNA splicing. Variants that disrupt the donor or acceptor splice site typically lead to a loss of protein function (PMID: 16199547), and loss-of-function variants in SPATA5 are known to be pathogenic (PMID: 26299366).

Literature cited by the submitters: PubMed 16199547; PubMed 26299366.

NM_145207.3(AFG2A):c.1459-1G>A

Gene: AFG2A (AAA ATPase AFG2A; plus strand). Cytogenetic location: 4q28.1.
Variant type: single nucleotide variant.
Coding change: c.1459-1G>A on transcript NM_145207.3 (MANE Select); the canonical splice acceptor site of the intron before coding-DNA position 1459, G replaced by A.
Molecular consequence: splice acceptor variant.
Genome position (GRCh38, 1-based): chr4:122,947,232, G>A. VCF-style: chr4-122947232-G-A. GRCh37 (hg19) VCF-style: chr4-123868387-G-A.
Other names: c.1456-1G>A (NM_001345856.2, NM_001317799.2).
Identifiers: ClinVar variation 1067829 (VCV001067829.4), dbSNP rs78047425, ClinGen allele CA3070474.
Genomic context (GRCh38, chr4:122,947,232, plus strand): 5'-CTCTCACTTTTTTTTTTCTAACTTTCAGAAAAATAAATTTATTTTCATTTTATTTTGTTA[G>A]GAAGTAAGTGAAGGACAAGTGTTGGTTCTTGGGGCCACAAATCGCCCTCATGCCTTGGAT-3'